The following is an entry in ClinVar:

NM_001365480.1(CCDC88A):c.2288T>C (p.Ile763Thr)

Gene: CCDC88A (coiled-coil domain containing 88A; minus strand). Cytogenetic location: 2p16.1.
Variant type: single nucleotide variant.
Coding change: c.2288T>C on transcript NM_001365480.1 (MANE Select); coding-DNA position 2288, T replaced by C.
Protein change: p.Ile763Thr; replaces isoleucine 763 with threonine.
Molecular consequence: missense variant.
Genome position (GRCh38, 1-based): chr2:55,334,533, A>G on the plus strand (T>C on the coding strand, the complement: CCDC88A is on the minus strand). VCF-style: chr2-55334533-A-G. GRCh37 (hg19) VCF-style: chr2-55561669-A-G.
Other names: c.2288T>C, p.Ile763Thr (NM_001135597.2, NM_001254943.2, NM_018084.5); c.2288T>C (NM_001135597.1); short protein forms I763T.
Identifiers: ClinVar variation 1373947 (VCV001373947.5), dbSNP rs144813819, ClinGen allele CA1665998.

ClinVar aggregate classification (germline): Conflicting classifications of pathogenicity. Review status: criteria provided, conflicting classifications (1 of 4 stars). 2 submissions from 2 submitters: Uncertain significance (1); Likely benign (1). Last evaluated 2024-01-15.

Allele frequency attached by ClinVar (database versions not stated): ESP Exome Variant Server 0.00008; 1000 Genomes Project 0.00020; ExAC 0.00021; gnomAD exomes 0.00021; 1000 Genomes Project 30x 0.00031.
gnomAD v4.1: 398 of 1,611,448 alleles (0.025%); highest among the groups gnomAD compares: Admixed American, 0.035%; no homozygotes.

Submissions (2):

Labcorp Genetics (formerly Invitae), Labcorp
Classification: Uncertain significance. Last evaluated: 2024-01-15. Review status: criteria provided, single submitter. Criteria: Invitae Variant Classification Sherloc (09022015). Collection method: clinical testing. Allele origin: germline.
Comment: This sequence change replaces isoleucine, which is neutral and non-polar, with threonine, which is neutral and polar, at codon 763 of the CCDC88A protein (p.Ile763Thr). This variant is present in population databases (rs144813819, gnomAD 0.05%). This variant has not been reported in the literature in individuals affected with CCDC88A-related conditions. ClinVar contains an entry for this variant (Variation ID: 1373947). Algorithms developed to predict the effect of missense changes on protein structure and function output the following: SIFT: "Not Available"; PolyPhen-2: "Benign"; Align-GVGD: "Not Available". The threonine amino acid residue is found in multiple mammalian species, which suggests that this missense change does not adversely affect protein function. In summary, the available evidence is currently insufficient to determine the role of this variant in disease. Therefore, it has been classified as a Variant of Uncertain Significance.

Ambry Genetics
Classification: Likely benign. Last evaluated: 2021-09-01. Review status: criteria provided, single submitter. Criteria: Ambry Variant Classification Scheme 2023. Collection method: clinical testing. Allele origin: germline.